The following is an entry in ClinVar:

ClinVar aggregate classification (germline): Uncertain significance. Review status: criteria provided, multiple submitters, no conflicts (2 of 4 stars). 2 submissions from 2 submitters: Uncertain significance (2). Last evaluated 2019-07-19.

Conditions:
Ataxia-telangiectasia-like disorder (ATLD). Identifiers: MedGen C1858391, MONDO:0011457.
Hereditary cancer-predisposing syndrome. Also called: Hereditary neoplastic syndrome; Tumor predisposition; Neoplastic Syndromes, Hereditary; Hereditary Cancer Syndrome. Identifiers: Orphanet 140162, MedGen C0027672, MeSH D009386, MONDO:0015356.

Allele frequency attached by ClinVar (database versions not stated): gnomAD exomes below 0.00001; gnomAD 0.00001; TOPMed 0.00001.
gnomAD v4.1: 4 of 1,613,560 alleles (0.00025%); highest among the groups gnomAD compares: Non-Finnish European, 0.00034%; no homozygotes.

Submissions (2):

Labcorp Genetics (formerly Invitae), Labcorp
Classification: Uncertain significance for Ataxia-telangiectasia-like disorder. Last evaluated: 2019-07-19. Review status: criteria provided, single submitter. Criteria: Invitae Variant Classification Sherloc (09022015). Collection method: clinical testing. Allele origin: germline.
Comment: Algorithms developed to predict the effect of missense changes on protein structure and function are either unavailable or do not agree on the potential impact of this missense change (SIFT: "Tolerated"; PolyPhen-2: "Possibly Damaging"; Align-GVGD: "Class C0"). This sequence change replaces glutamic acid with lysine at codon 64 of the MRE11 protein (p.Glu64Lys). The glutamic acid residue is moderately conserved and there is a small physicochemical difference between glutamic acid and lysine. This variant is not present in population databases (ExAC no frequency). This variant has not been reported in the literature in individuals with MRE11-related conditions. In summary, the available evidence is currently insufficient to determine the role of this variant in disease. Therefore, it has been classified as a Variant of Uncertain Significance.

Ambry Genetics
Classification: Uncertain significance for Hereditary cancer-predisposing syndrome. Last evaluated: 2019-04-25. Review status: criteria provided, single submitter. Criteria: Ambry Variant Classification Scheme 2023. Collection method: clinical testing. Allele origin: germline.
Comment: The p.E64K variant (also known as c.190G>A), located in coding exon 3 of the MRE11A gene, results from a G to A substitution at nucleotide position 190. The glutamic acid at codon 64 is replaced by lysine, an amino acid with similar properties. This amino acid position is not well conserved in available vertebrate species. In addition, the in silico prediction for this alteration is inconclusive. Since supporting evidence is limited at this time, the clinical significance of this alteration remains unclear.

NM_005591.4(MRE11):c.190G>A (p.Glu64Lys)

Gene: MRE11 (MRE11 double strand break repair nuclease; minus strand). Cytogenetic location: 11q21.
Variant type: single nucleotide variant.
Coding change: c.190G>A on transcript NM_005591.4 (MANE Select); coding-DNA position 190, G replaced by A.
Protein change: p.Glu64Lys; replaces glutamic acid 64 with lysine.
Molecular consequence: missense variant.
Genome position (GRCh38, 1-based): chr11:94,486,048, C>T on the plus strand (G>A on the coding strand, the complement: MRE11 is on the minus strand). VCF-style: chr11-94486048-C-T. GRCh37 (hg19) VCF-style: chr11-94219214-C-T.
Other names: c.190G>A, p.Glu64Lys (NM_001330347.2, NM_005590.4); short protein forms E64K.
Identifiers: ClinVar variation 953250 (VCV000953250.12), dbSNP rs1947135431, ClinGen allele CA382379810.